The following is an entry in ClinVar:

NM_001372.4(DNAH9):c.8947G>A (p.Glu2983Lys)

Gene: DNAH9 (dynein axonemal heavy chain 9; plus strand). Cytogenetic location: 17p12.
Variant type: single nucleotide variant.
Coding change: c.8947G>A on transcript NM_001372.4 (MANE Select); coding-DNA position 8947, G replaced by A.
Protein change: p.Glu2983Lys; replaces glutamic acid 2983 with lysine.
Molecular consequence: missense variant.
Genome position (GRCh38, 1-based): chr17:11,822,534, G>A. VCF-style: chr17-11822534-G-A. GRCh37 (hg19) VCF-style: chr17-11725851-G-A.
Other names: c.8947G>A (NM_001372.3); short protein forms E2983K.
Identifiers: ClinVar variation 1505965 (VCV001505965.8), dbSNP rs202196562, ClinGen allele CA8397093.

ClinVar aggregate classification (germline): Uncertain significance. Review status: criteria provided, multiple submitters, no conflicts (2 of 4 stars). 3 submissions from 3 submitters: Uncertain significance (3). Last evaluated 2024-11-26.

Conditions:
Inborn genetic diseases. Identifiers: MedGen C0950123, MeSH D030342.
Ciliary dyskinesia, primary, 40. Also called: CILIARY DYSKINESIA, PRIMARY, 40, WITH OR WITHOUT SITUS INVERSUS. Identifiers: MedGen C4749028, MONDO:0032664, OMIM 618300.

Allele frequency attached by ClinVar (database versions not stated): TOPMed 0.00012; ESP Exome Variant Server 0.00023.
gnomAD v4.1: 243 of 1,614,036 alleles (0.015%); highest among the groups gnomAD compares: Non-Finnish European, 0.018%; no homozygotes.

Submissions (3):

Ambry Genetics
Classification: Uncertain significance for Inborn genetic diseases. Last evaluated: 2024-11-26. Review status: criteria provided, single submitter. Criteria: Ambry Variant Classification Scheme 2023. Collection method: clinical testing. Allele origin: germline.

Fulgent Genetics
Classification: Uncertain significance for Ciliary dyskinesia, primary, 40. Last evaluated: 2024-04-16. Review status: criteria provided, single submitter. Criteria: ACMG Guidelines, 2015. Collection method: clinical testing. Allele origin: germline.

Labcorp Genetics (formerly Invitae), Labcorp
Classification: Uncertain significance. Last evaluated: 2022-07-03. Review status: criteria provided, single submitter. Criteria: Invitae Variant Classification Sherloc (09022015). Collection method: clinical testing. Allele origin: germline.
Comment: This sequence change replaces glutamic acid, which is acidic and polar, with lysine, which is basic and polar, at codon 2983 of the DNAH9 protein (p.Glu2983Lys). This variant is present in population databases (rs202196562, gnomAD 0.02%). This variant has not been reported in the literature in individuals affected with DNAH9-related conditions. ClinVar contains an entry for this variant (Variation ID: 1505965). Algorithms developed to predict the effect of missense changes on protein structure and function are either unavailable or do not agree on the potential impact of this missense change (SIFT: "Deleterious"; PolyPhen-2: "Possibly Damaging"; Align-GVGD: "Class C0"). In summary, the available evidence is currently insufficient to determine the role of this variant in disease. Therefore, it has been classified as a Variant of Uncertain Significance.